The following is an entry in ClinVar:

ClinVar aggregate classification (germline): Likely benign (1 of 4 stars; one submission).

Allele frequency attached by ClinVar (database versions not stated): gnomAD 0.00001; 1000 Genomes Project 30x 0.00031; TOPMed 0.00002; 1000 Genomes Project 0.00020.
gnomAD v4.1: 3 of 471,646 alleles (0.00064%); highest among the groups gnomAD compares: Admixed American, 0.0073%; no homozygotes.

Submission:

GeneDx
Classification: Likely benign. Last evaluated: 2015-06-04. Review status: criteria provided, single submitter. Criteria: GeneDx Variant Classification (06012015). Collection method: clinical testing. Allele origin: germline. Affected: yes.
Comment: This variant is considered likely benign or benign based on one or more of the following criteria: it is a conservative change, it occurs at a poorly conserved position in the protein, it is predicted to be benign by multiple in silico algorithms, and/or has population frequency not consistent with disease.

NM_007194.4(CHEK2):c.-20G>C

Gene: CHEK2 (checkpoint kinase 2; minus strand). Cytogenetic location: 22q12.1.
Variant type: single nucleotide variant.
Coding change: c.-20G>C on transcript NM_007194.4 (MANE Select); 20 bases upstream of the start codon, G replaced by C.
Molecular consequence: 5 prime UTR variant.
Genome position (GRCh38, 1-based): chr22:28,741,782, C>G on the plus strand (G>C on the coding strand, the complement: CHEK2 is on the minus strand). VCF-style: chr22-28741782-C-G. GRCh37 (hg19) VCF-style: chr22-29137770-C-G.
Other names: c.-20G>C (NM_001005735.3, NM_001349956.3, NM_145862.3); c.-797G>C (NM_001257387.3).
Identifiers: ClinVar variation 379885 (VCV000379885.1), dbSNP rs566344661, ClinGen allele CA16608646.